The following is an entry in ClinVar:

NM_177438.3(DICER1):c.875A>T (p.Glu292Val)

Gene: DICER1 (dicer 1, ribonuclease III; minus strand). Cytogenetic location: 14q32.13.
Variant type: single nucleotide variant.
Coding change: c.875A>T on transcript NM_177438.3 (MANE Select); coding-DNA position 875, A replaced by T.
Protein change: p.Glu292Val; replaces glutamic acid 292 with valine.
Molecular consequence: missense variant.
Genome position (GRCh38, 1-based): chr14:95,126,608, T>A on the plus strand (A>T on the coding strand, the complement: DICER1 is on the minus strand). VCF-style: chr14-95126608-T-A. GRCh37 (hg19) VCF-style: chr14-95592945-T-A.
Other names: c.875A>T, p.Glu292Val (NM_001195573.1, NM_001271282.3, NM_001291628.2 and 1 more transcripts); short protein forms E292V.
Identifiers: ClinVar variation 946248 (VCV000946248.11), dbSNP rs1893479937, ClinGen allele CA390887476.
Genomic context (GRCh38, chr14:95,126,608, plus strand): 5'-ATAATCACTATACCTACTTGGTATATGCTTACCTGTTTCGAAATTAAAGTAGAATCTCTT[T>A]CTTTTGAATGTACAGATATATTACAATCATTGATAAAATTAAGTGCTTCTTCTAATTCCA-3'
Protein context (NP_803187.1, residues 282-302): NDCNISVHSK[Glu292Val]RDSTLISKQI

ClinVar aggregate classification (germline): Uncertain significance (1 of 4 stars; one submission).

Conditions:
DICER1-related tumor predisposition. Also called: DICER1-related pleuropulmonary blastoma cancer predisposition syndrome; DICER1 syndrome. Identifiers: Orphanet 284343, MedGen C3839822, MONDO:0100216.

Submission:

Labcorp Genetics (formerly Invitae), Labcorp
Classification: Uncertain significance for DICER1-related tumor predisposition. Last evaluated: 2019-07-10. Review status: criteria provided, single submitter. Criteria: Invitae Variant Classification Sherloc (09022015). Collection method: clinical testing. Allele origin: germline.
Comment: This sequence change replaces glutamic acid with valine at codon 292 of the DICER1 protein (p.Glu292Val). The glutamic acid residue is moderately conserved and there is a moderate physicochemical difference between glutamic acid and valine. This variant is not present in population databases (ExAC no frequency). This variant has not been reported in the literature in individuals with DICER1-related conditions. Algorithms developed to predict the effect of missense changes on protein structure and function are either unavailable or do not agree on the potential impact of this missense change (SIFT: "Tolerated"; PolyPhen-2: "Possibly Damaging"; Align-GVGD: "Class C0"). Algorithms developed to predict the effect of sequence changes on RNA splicing suggest that this variant may create or strengthen a splice site, but this prediction has not been confirmed by published transcriptional studies. In summary, the available evidence is currently insufficient to determine the role of this variant in disease. Therefore, it has been classified as a Variant of Uncertain Significance.